The following is an entry in ClinVar:

NM_006044.4(HDAC6):c.3190G>A (p.Gly1064Arg)

Gene: HDAC6 (histone deacetylase 6; plus strand). Cytogenetic location: Xp11.23.
Variant type: single nucleotide variant.
Coding change: c.3190G>A on transcript NM_006044.4 (MANE Select); coding-DNA position 3190, G replaced by A.
Protein change: p.Gly1064Arg; replaces glycine 1064 with arginine.
Molecular consequence: missense variant. On other transcripts: non-coding transcript variant (1).
Genome position (GRCh38, 1-based): chrX:48,823,672, G>A. VCF-style: chrX-48823672-G-A. GRCh37 (hg19) VCF-style: chrX-48682082-G-A.
Other names: c.3232G>A, p.Gly1078Arg (NM_001321225.2); c.3190G>A, p.Gly1064Arg (NM_001321226.2, NM_001321227.2, NM_001321228.2 and 1 more transcripts); short protein forms G1078R, G1064R.
Identifiers: ClinVar variation 1032399 (VCV001032399.1), dbSNP rs2063122125, ClinGen allele CA412881652.
Genomic context (GRCh38, chrX:48,823,672, plus strand): 5'-GGGGCAAGAAGGGGCAAGAATCGGGCTTCTCTGATACATCTCTTACTTCTGCGTGTCCAG[G>A]GGGCCTCAGAATCTCAGGCCCCAGGAGAGGAGAACCTACTAGGAGAGGCAGCTGGAGGTC-3'
Protein context (NP_006035.2, residues 1054-1074): RTLELGSESQ[Gly1064Arg]ASESQAPGEE

ClinVar aggregate classification (germline): Uncertain significance (1 of 4 stars; one submission).

Conditions:
X-linked dominant chondrodysplasia, Chassaing-Lacombe type. Also called: Chondrodysplasia with platyspondyly, distinctive brachydactyly, hydrocephaly, and microphthalmia. Identifiers: Orphanet 163966, MedGen C3275476, MONDO:0010463, OMIM 300863.

Allele frequency attached by ClinVar (database versions not stated): gnomAD exomes below 0.00001.
gnomAD v4.1: 1 of 1,204,461 alleles (0.000083%); highest among the groups gnomAD compares: African/African-American, 0.0017%; no homozygotes.

Submission:

Baylor Genetics
Classification: Uncertain significance for X-linked dominant chondrodysplasia, Chassaing-Lacombe type. Last evaluated: 2018-08-18. Review status: criteria provided, single submitter. Criteria: ACMG Guidelines, 2015. Collection method: clinical testing. Allele origin: unknown. Affected: yes.
Comment: This variant was determined to be of uncertain significance according to ACMG Guidelines, 2015 [PMID:25741868].